The following is an entry in ClinVar:

NM_001014987.2(LAT):c.247A>G (p.Arg83Gly)

Gene: LAT (linker for activation of T cells; plus strand). Cytogenetic location: 16p11.2.
Variant type: single nucleotide variant.
Coding change: c.247A>G on transcript NM_001014987.2 (MANE Select); coding-DNA position 247, A replaced by G.
Protein change: p.Arg83Gly; replaces arginine 83 with glycine.
Molecular consequence: missense variant. On other transcripts: splice acceptor variant (1).
Genome position (GRCh38, 1-based): chr16:28,986,383, A>G. VCF-style: chr16-28986383-A-G. GRCh37 (hg19) VCF-style: chr16-28997704-A-G.
Other names: c.355A>G, p.Arg119Gly (NM_001014989.2); c.247A>G, p.Arg83Gly (NM_014387.4); c.246-2A>G (NM_001014988.2); short protein forms R119G, R83G.
Identifiers: ClinVar variation 1719612 (VCV001719612.6), dbSNP rs1306695806, ClinGen allele CA395440427.

ClinVar aggregate classification (germline): Uncertain significance (1 of 4 stars; one submission).

Allele frequency attached by ClinVar (database versions not stated): TOPMed below 0.00001.

Submission:

Labcorp Genetics (formerly Invitae), Labcorp
Classification: Uncertain significance. Last evaluated: 2022-08-27. Review status: criteria provided, single submitter. Criteria: Invitae Variant Classification Sherloc (09022015). Collection method: clinical testing. Allele origin: germline.
Comment: This sequence change replaces arginine, which is basic and polar, with glycine, which is neutral and non-polar, at codon 83 of the LAT protein (p.Arg83Gly). This variant is not present in population databases (gnomAD no frequency). In summary, the available evidence is currently insufficient to determine the role of this variant in disease. Therefore, it has been classified as a Variant of Uncertain Significance. Algorithms developed to predict the effect of sequence changes on RNA splicing suggest that this variant may disrupt the consensus splice site. Algorithms developed to predict the effect of missense changes on protein structure and function (SIFT, PolyPhen-2, Align-GVGD) all suggest that this variant is likely to be disruptive. This variant has not been reported in the literature in individuals affected with LAT-related conditions.